The following is an entry in ClinVar:

ClinVar aggregate classification (germline): Uncertain significance (1 of 4 stars; one submission).

Conditions:
Charcot-Marie-Tooth disease type 4. Also called: Charcot-Marie-Tooth disease, type IV; Charcot-Marie-Tooth, Type 4. Identifiers: Orphanet 64749, MedGen C4082197, MONDO:0018995.

Submission:

Labcorp Genetics (formerly Invitae), Labcorp
Classification: Uncertain significance for Charcot-Marie-Tooth disease type 4. Last evaluated: 2024-02-17. Review status: criteria provided, single submitter. Criteria: Invitae Variant Classification Sherloc (09022015). Collection method: clinical testing. Allele origin: germline.
Comment: This sequence change replaces valine, which is neutral and non-polar, with leucine, which is neutral and non-polar, at codon 44 of the PRX protein (p.Val44Leu). This variant is not present in population databases (gnomAD no frequency). This variant has not been reported in the literature in individuals affected with PRX-related conditions. ClinVar contains an entry for this variant (Variation ID: 2046193). An algorithm developed to predict the effect of missense changes on protein structure and function (PolyPhen-2) suggests that this variant is likely to be tolerated. In summary, the available evidence is currently insufficient to determine the role of this variant in disease. Therefore, it has been classified as a Variant of Uncertain Significance.

NM_181882.3(PRX):c.130G>C (p.Val44Leu)

Genes: PRX (periaxin; minus strand), LOC130064454 (ATAC-STARR-seq lymphoblastoid active region 14650; plus strand). Cytogenetic location: 19q13.2.
Variant type: single nucleotide variant.
Coding change: c.130G>C on transcript NM_181882.3 (MANE Select); coding-DNA position 130, G replaced by C.
Protein change: p.Val44Leu; replaces valine 44 with leucine.
Molecular consequence: missense variant.
Genome position (GRCh38, 1-based): chr19:40,403,760, C>G on the plus strand (G>C on the coding strand, the complement: PRX is on the minus strand). VCF-style: chr19-40403760-C-G. GRCh37 (hg19) VCF-style: chr19-40909667-C-G.
Other names: c.415G>C, p.Val139Leu (NM_001411127.1); c.130G>C, p.Val44Leu (NM_020956.2); short protein forms V139L, V44L.
Identifiers: ClinVar variation 2046193 (VCV002046193.4), dbSNP rs995950975, ClinGen allele CA405901803.
Genomic context (GRCh38, chr19:40,403,760, plus strand): 5'-GCCCACCTTCCTGCAGGCTGAGGCTCCTGGCGGCGGGTGAGTCCTCGCGCAGCTCCCGAA[C>G]GAAGATTCCCTCTTTGCCGCCGCCCGCTACGTTGATGCCGCTGACCCCGGTCTGCGCCTC-3'
Protein context (NP_870998.2, residues 34-54): VAGGGKEGIF[Val44Leu]RELREDSPAA